The following is an entry in ClinVar:

ClinVar aggregate classification (germline): Uncertain significance. Review status: criteria provided, multiple submitters, no conflicts (2 of 4 stars). 2 submissions from 2 submitters: Uncertain significance (2). Last evaluated 2024-03-15.

Conditions:
Cardiovascular phenotype. Identifiers: MedGen CN230736.

Allele frequency attached by ClinVar (database versions not stated): gnomAD 0.00001; TOPMed 0.00001.
gnomAD v4.1: 9 of 1,550,390 alleles (0.00058%); highest among the groups gnomAD compares: Admixed American, 0.014%; no homozygotes.

Submissions (2):

Ambry Genetics
Classification: Uncertain significance for Cardiovascular phenotype. Last evaluated: 2024-03-15. Review status: criteria provided, single submitter. Criteria: Ambry Variant Classification Scheme 2023. Collection method: clinical testing. Allele origin: germline.
Comment: The p.H3894Q variant (also known as c.11682C>A), located in coding exon 2 of the ZNF469 gene, results from a C to A substitution at nucleotide position 11682. The histidine at codon 3894 is replaced by glutamine, an amino acid with highly similar properties. This amino acid position is conserved. In addition, this alteration is predicted to be tolerated by in silico analysis. Based on the available evidence, the clinical significance of this alteration remains unclear.

Labcorp Genetics (formerly Invitae), Labcorp
Classification: Uncertain significance. Last evaluated: 2022-03-29. Review status: criteria provided, single submitter. Criteria: Invitae Variant Classification Sherloc (09022015). Collection method: clinical testing. Allele origin: germline.
Comment: This sequence change replaces histidine, which is basic and polar, with glutamine, which is neutral and polar, at codon 3894 of the ZNF469 protein (p.His3894Gln). This variant is present in population databases (no rsID available, gnomAD 0.004%). This variant has not been reported in the literature in individuals affected with ZNF469-related conditions. Algorithms developed to predict the effect of missense changes on protein structure and function (SIFT, PolyPhen-2, Align-GVGD) all suggest that this variant is likely to be tolerated. In summary, the available evidence is currently insufficient to determine the role of this variant in disease. Therefore, it has been classified as a Variant of Uncertain Significance.

NM_001367624.2(ZNF469):c.11766C>A (p.His3922Gln)

Gene: ZNF469 (zinc finger protein 469; plus strand). Cytogenetic location: 16q24.2.
Variant type: single nucleotide variant.
Coding change: c.11766C>A on transcript NM_001367624.2 (MANE Select); coding-DNA position 11766, C replaced by A.
Protein change: p.His3922Gln; replaces histidine 3922 with glutamine.
Molecular consequence: missense variant.
Genome position (GRCh38, 1-based): chr16:88,439,236, C>A. VCF-style: chr16-88439236-C-A. GRCh37 (hg19) VCF-style: chr16-88505644-C-A.
Other names: NM_001127464.1:c.11682C>A; short protein forms H3922Q.
Identifiers: ClinVar variation 1934865 (VCV001934865.4), dbSNP rs916013953, ClinGen allele CA286388523.
Genomic context (GRCh38, chr16:88,439,236, plus strand): 5'-CAGGCCCCCCAAGAGGGGCACAGCTGTCCACGGTGCTGAACCTGCCGAGCCACACACCCA[C>A]CGGACGGCCGAGGCCCAGAGTGACCTCCTCAGCCAGCTCTTCGGGCAGAGACTAACTGGC-3'
Protein context (NP_001354553.1, residues 3912-3932): HGAEPAEPHT[His3922Gln]RTAEAQSDLL